The following is an entry in ClinVar:

NM_053025.4(MYLK):c.2462+20G>A

Gene: MYLK (myosin light chain kinase; minus strand). Cytogenetic location: 3q21.1.
Variant type: single nucleotide variant.
Coding change: c.2462+20G>A on transcript NM_053025.4 (MANE Select); 20 bases into the intron after coding-DNA position 2462, G replaced by A.
Molecular consequence: intron variant.
Genome position (GRCh38, 1-based): chr3:123,701,418, C>T on the plus strand (G>A on the coding strand, the complement: MYLK is on the minus strand). VCF-style: chr3-123701418-C-T. GRCh37 (hg19) VCF-style: chr3-123420265-C-T.
Other names: c.1934+20G>A (NM_001321309.2); c.2255+20G>A (NM_053028.4, NM_053026.4); c.2462+20G>A (NM_053027.4).
Identifiers: ClinVar variation 984489 (VCV000984489.9), dbSNP rs565230903, ClinGen allele CA068579.

ClinVar aggregate classification (germline): Benign/Likely benign. Review status: criteria provided, multiple submitters, no conflicts (2 of 4 stars). 2 submissions from 2 submitters: Benign (1); Likely benign (1). Last evaluated 2026-01-26.

Conditions:
Aortic aneurysm, familial thoracic 7 (AAT7). Also called: AORTIC DISSECTION, FAMILIAL, WITH OR WITHOUT AORTIC ANEURYSM. Identifiers: MedGen C3151077, MONDO:0013418, OMIM 613780.

Allele frequency attached by ClinVar (database versions not stated): gnomAD below 0.00001 and 0.00016; TOPMed 0.00001; gnomAD exomes 0.00020 and 0.00045; ExAC 0.00052; 1000 Genomes Project 30x 0.00062; 1000 Genomes Project 0.00080.
gnomAD v4.1: 328 of 1,613,598 alleles (0.02%); highest among the groups gnomAD compares: South Asian, 0.34%; 2 homozygotes.

Submissions (2):

Labcorp Genetics (formerly Invitae), Labcorp
Classification: Benign for Aortic aneurysm, familial thoracic 7. Last evaluated: 2026-01-26. Review status: criteria provided, single submitter. Criteria: Invitae Variant Classification Sherloc (09022015). Collection method: clinical testing. Allele origin: germline.

Women's Health and Genetics/Laboratory Corporation of America, LabCorp
Classification: Likely benign. Last evaluated: 2020-10-19. Review status: criteria provided, single submitter. Criteria: LabCorp Variant Classification Summary - May 2015. Collection method: clinical testing. Allele origin: germline.
Comment: Variant summary: MYLK c.2462+20G>A alters a non-conserved nucleotide located close to a canonical splice site and therefore could affect mRNA splicing, leading to a significantly altered protein sequence. 4/4 computational tools predict no significant impact on normal splicing. However, these predictions have yet to be confirmed by functional studies. The variant allele was found at a frequency of 0.00045 in 251312 control chromosomes. The observed variant frequency is approximately 9 fold of the estimated maximal expected allele frequency for a pathogenic variant in MYLK causing Thoracic Aortic Aneurysms and Dissections phenotype (5e-05), strongly suggesting that the variant is benign. To our knowledge, no occurrence of c.2462+20G>A in individuals affected with Thoracic Aortic Aneurysms and Dissections and no experimental evidence demonstrating its impact on protein function have been reported. No clinical diagnostic laboratories have submitted clinical-significance assessments for this variant to ClinVar after 2014. Based on the evidence outlined above, the variant was classified as likely benign.